The following is an entry in ClinVar:

ClinVar aggregate classification (germline): Uncertain significance (1 of 4 stars; one submission).

Submission:

Labcorp Genetics (formerly Invitae), Labcorp
Classification: Uncertain significance. Last evaluated: 2024-02-29. Review status: criteria provided, single submitter. Criteria: Invitae Variant Classification Sherloc (09022015). Collection method: clinical testing. Allele origin: germline.
Comment: This sequence change replaces threonine, which is neutral and polar, with proline, which is neutral and non-polar, at codon 321 of the DNAJB11 protein (p.Thr321Pro). This variant is not present in population databases (gnomAD no frequency). This variant has not been reported in the literature in individuals affected with DNAJB11-related conditions. Advanced modeling of protein sequence and biophysical properties (such as structural, functional, and spatial information, amino acid conservation, physicochemical variation, residue mobility, and thermodynamic stability) performed at Invitae indicates that this missense variant is expected to disrupt DNAJB11 protein function with a positive predictive value of 80%. In summary, the available evidence is currently insufficient to determine the role of this variant in disease. Therefore, it has been classified as a Variant of Uncertain Significance.

NM_016306.6(DNAJB11):c.961A>C (p.Thr321Pro)

Gene: DNAJB11 (DnaJ heat shock protein family (Hsp40) member B11; plus strand). Cytogenetic location: 3q27.3.
Variant type: single nucleotide variant.
Coding change: c.961A>C on transcript NM_016306.6 (MANE Select); coding-DNA position 961, A replaced by C.
Protein change: p.Thr321Pro; replaces threonine 321 with proline.
Molecular consequence: missense variant. On other transcripts: non-coding transcript variant (6).
Genome position (GRCh38, 1-based): chr3:186,584,538, A>C. VCF-style: chr3-186584538-A-C. GRCh37 (hg19) VCF-style: chr3-186302327-A-C.
Other names: c.685A>C, p.Thr229Pro (NM_001378451.1); short protein forms T229P, T321P.
Identifiers: ClinVar variation 3642296 (VCV003642296.2).
Genomic context (GRCh38, chr3:186,584,538, plus strand): 5'-AAGAAAGGGGAAGGGCTCCCCAACTTTGACAACAACAATATCAAGGGCTCTTTGATAATC[A>C]CTTTTGATGTGGATTTTCCAAAAGAACAGTTAACAGAGGAAGCGAGAGAAGGTATGGCAT-3'
Protein context (NP_057390.1, residues 311-331): NNNIKGSLII[Thr321Pro]FDVDFPKEQL